The following is an entry in ClinVar:

NM_001111.5(ADAR):c.2753G>C (p.Gly918Ala)

Genes: ADAR (adenosine deaminase RNA specific; minus strand), LOC126805874 (CDK7 strongly-dependent group 2 enhancer GRCh37_chr1:154561176-154562375; plus strand). Cytogenetic location: 1q21.3.
Variant type: single nucleotide variant.
Coding change: c.2753G>C on transcript NM_001111.5 (MANE Select); coding-DNA position 2753, G replaced by C.
Protein change: p.Gly918Ala; replaces glycine 918 with alanine.
Molecular consequence: missense variant.
Genome position (GRCh38, 1-based): chr1:154,589,378, C>G on the plus strand (G>C on the coding strand, the complement: ADAR is on the minus strand). VCF-style: chr1-154589378-C-G. GRCh37 (hg19) VCF-style: chr1-154561854-C-G.
Other names: p.Gly918Ala; c.2753G>C, p.Gly918Ala (LRG_1212t1); c.1868G>C, p.Gly623Ala (NM_001025107.3, NM_001193495.2, NM_001365046.1 and 2 more transcripts); c.2780G>C, p.Gly927Ala (NM_001365045.1); c.1790G>C, p.Gly597Ala (NM_001365049.1); c.2675G>C, p.Gly892Ala (NM_015840.4); c.2618G>C, p.Gly873Ala (NM_015841.4); short protein forms G918A, G597A, G623A, G927A, G873A, G892A.
Identifiers: ClinVar variation 659316 (VCV000659316.12), dbSNP rs142456688, ClinGen allele CA1131167.

ClinVar aggregate classification (germline): Uncertain significance. Review status: criteria provided, multiple submitters, no conflicts (2 of 4 stars). 5 submissions from 5 submitters: Uncertain significance (5). Last evaluated 2026-01-22.

Conditions:
Symmetrical dyschromatosis of extremities (DSH). Also called: Dyschromatosis symmetrica hereditaria; DYSCHROMATOSIS SYMMETRICA HEREDITARIA 1; RETICULATE ACROPIGMENTATION OF DOHI; SYMMETRIC DYSCHROMATOSIS OF THE EXTREMITIES. Identifiers: Orphanet 41, MedGen C0406775, MONDO:0007483, OMIM 127400.
Aicardi-Goutieres syndrome 6 (AGS6). Identifiers: Orphanet 51, MedGen C3539013, MONDO:0014007, OMIM 615010.
Inborn genetic diseases. Identifiers: MedGen C0950123, MeSH D030342.

Allele frequency attached by ClinVar (database versions not stated): gnomAD exomes 0.00002 and 0.00008; gnomAD 0.00003; TOPMed 0.00003; ExAC 0.00004; ESP Exome Variant Server 0.00015.
gnomAD v4.1: 116 of 1,613,968 alleles (0.0072%); highest among the groups gnomAD compares: Non-Finnish European, 0.0096%; no homozygotes.

Submissions (5):

GeneDx
Classification: Uncertain significance. Last evaluated: 2026-01-22. Review status: criteria provided, single submitter. Criteria: GeneDx Variant Classification Process June 2021. Collection method: clinical testing. Allele origin: germline.
Comment: In silico analysis supports that this missense variant has a deleterious effect on protein structure/function; Has not been previously published as pathogenic or benign to our knowledge

Labcorp Genetics (formerly Invitae), Labcorp
Classification: Uncertain significance for Aicardi-Goutieres syndrome 6; Symmetrical dyschromatosis of extremities. Last evaluated: 2026-01-16. Review status: criteria provided, single submitter. Criteria: Invitae Variant Classification Sherloc (09022015). Collection method: clinical testing. Allele origin: germline.
Comment: This sequence change replaces glycine, which is neutral and non-polar, with alanine, which is neutral and non-polar, at codon 918 of the ADAR protein (p.Gly918Ala). This variant is present in population databases (rs142456688, gnomAD 0.01%). This variant has not been reported in the literature in individuals affected with ADAR-related conditions. ClinVar contains an entry for this variant (Variation ID: 659316). Invitae Evidence Modeling of protein sequence and biophysical properties (such as structural, functional, and spatial information, amino acid conservation, physicochemical variation, residue mobility, and thermodynamic stability) has been performed for this missense variant. However, the output from this modeling did not meet the statistical confidence thresholds required to predict the impact of this variant on ADAR protein function. In summary, the available evidence is currently insufficient to determine the role of this variant in disease. Therefore, it has been classified as a Variant of Uncertain Significance.

Women's Health and Genetics/Laboratory Corporation of America, LabCorp
Classification: Uncertain significance. Last evaluated: 2025-12-02. Review status: criteria provided, single submitter. Criteria: LabCorp Variant Classification Summary - May 2015. Collection method: clinical testing. Allele origin: germline.
Comment: Variant summary: ADAR c.2753G>C (p.Gly918Ala) results in a non-conservative amino acid change in the encoded protein sequence. Algorithms developed to predict the effect of missense changes on protein structure and function all suggest that this variant is likely to be disruptive. The variant allele was found at a frequency of 2.4e-05 in 251204 control chromosomes. The available data on variant occurrences in the general population are insufficient to allow any conclusion about variant significance. To our knowledge, no occurrence of c.2753G>C in individuals affected with ADAR-related conditions and no experimental evidence demonstrating its impact on protein function have been reported. ClinVar contains an entry for this variant (Variation ID: 659316). Based on the evidence outlined above, the variant was classified as uncertain significance.

Ambry Genetics
Classification: Uncertain significance for Inborn genetic diseases. Last evaluated: 2025-06-18. Review status: criteria provided, single submitter. Criteria: Ambry Variant Classification Scheme 2023. Collection method: clinical testing. Allele origin: germline.

Mayo Clinic Laboratories, Mayo Clinic
Classification: Uncertain significance. Last evaluated: 2025-02-19. Review status: criteria provided, single submitter. Criteria: ACMG Guidelines, 2015. Collection method: clinical testing. Allele origin: germline. Observed: 1 variant allele.